The following is an entry in ClinVar:

NM_000548.5(TSC2):c.5160+11dup

Gene: TSC2 (TSC complex subunit 2; plus strand). Cytogenetic location: 16p13.3.
Variant type: Duplication.
Coding change: c.5160+11dup on transcript NM_000548.5 (MANE Select); 11 bases into the intron after coding-DNA position 5160, one base duplicated (G; older notation c.5160+11dupG).
Molecular consequence: intron variant.
Genome position (GRCh38, 1-based): chr16:2,088,150, G duplicated; the last of 5 consecutive G bases (chr16:2,088,146-2,088,150); duplicating any one gives the same sequence. VCF-style (leftmost placement, unchanged base first): chr16-2088145-T-TG. GRCh37 (hg19) VCF-style: chr16-2138146-T-TG.
Other names: c.5160+11dupG (NM_000548.3, NM_000548.5); c.4815+11dup (NM_001318829.2); c.4992+11dup (NM_001318832.2); c.5091+11dup (NM_001114382.3); c.5031+11dup (NM_021055.3, NM_001370405.1); c.4962+11dup (NM_001363528.2); c.5028+11dup (NM_001370404.1); c.4959+11dup (NM_001077183.3); and 2 more.
Identifiers: ClinVar variation 238076 (VCV000238076.12), dbSNP rs137854048, ClinGen allele CA054178.
Genomic context (GRCh38, chr16:2,088,145, plus strand): 5'-CGTGTCTGACCGCAACCTGCCCTTCGTGGCCCGCCAGATGGCCCTGCACGCAAATGTGAG[T>TG]GGGGGTGGGTCCAGGCGTGAGCTGGTGGGACAGGCCCAGGTGCCACCTGATAGTGAGCTC-3'

ClinVar aggregate classification (germline): Likely benign. Review status: criteria provided, multiple submitters, no conflicts (2 of 4 stars). 3 submissions from 3 submitters: Likely benign (3). Last evaluated 2026-03-13.

Conditions:
Tuberous sclerosis syndrome (TSC). Also called: Tuberous Sclerosis Complex; Tuberous sclerosis. Identifiers: Orphanet 805, MedGen C0041341, MONDO:0001734.
Tuberous sclerosis 2 (TSC2). Identifiers: Orphanet 805, MedGen C1860707, MONDO:0013199, OMIM 613254.

Submissions (3):

Women's Health and Genetics/Laboratory Corporation of America, LabCorp
Classification: Likely benign. Last evaluated: 2026-03-13. Review status: criteria provided, single submitter. Criteria: LabCorp Variant Classification Summary - May 2015. Collection method: clinical testing. Allele origin: germline.
Comment: Variant summary: TSC2 c.5160+11dupG alters a nucleotide located at a position not widely known to affect splicing. Consensus agreement among computation tools predict no significant impact on normal splicing. However, these predictions have yet to be confirmed by functional studies. The variant allele was found at a frequency of 8e-06 in 250240 control chromosomes. The available data on variant occurrences in the general population are insufficient to allow any conclusion about variant significance. To our knowledge, no occurrence of c.5160+11dupG in individuals affected with TSC2-related conditions and no experimental evidence demonstrating its impact on protein function have been reported. ClinVar contains an entry for this variant (Variation ID: 238076). Based on the evidence outlined above, the variant was classified as likely benign.

Labcorp Genetics (formerly Invitae), Labcorp
Classification: Likely benign for Tuberous sclerosis 2. Last evaluated: 2025-12-22. Review status: criteria provided, single submitter. Criteria: Invitae Variant Classification Sherloc (09022015). Collection method: clinical testing. Allele origin: germline.

All of Us Research Program, National Institutes of Health
Classification: Likely benign for Tuberous sclerosis syndrome. Last evaluated: 2024-06-09. Review status: criteria provided, single submitter. Criteria: ACMG Guidelines, 2015. Collection method: clinical testing. Allele origin: germline. Inheritance: Autosomal dominant inheritance. Observed: 1 variant allele, 1 heterozygote.
Comment: This study involves interpretation of variants in research participants for the purpose of population health screening. Participant phenotype was not available at the time of variant classification. Additional details can be found in publication PMID: 35346344, PMCID: PMC8962531